The following is an entry in ClinVar:

ClinVar aggregate classification (germline): Uncertain significance. Review status: criteria provided, multiple submitters, no conflicts (2 of 4 stars). 2 submissions from 2 submitters: Uncertain significance (2). Last evaluated 2024-11-06.

Conditions:
Joubert syndrome 21 (JBTS21). Identifiers: MedGen C3810212, MONDO:0014288, OMIM 615636.

Allele frequency attached by ClinVar (database versions not stated): gnomAD 0.00002 and 0.00007; 1000 Genomes Project 0.00040; TOPMed 0.00004; gnomAD exomes 0.00012; 1000 Genomes Project 30x 0.00031.
gnomAD v4.1: 185 of 1,614,170 alleles (0.011%); highest among the groups gnomAD compares: South Asian, 0.18%; 2 homozygotes.

Submissions (2):

Blueprint Genetics
Classification: Uncertain significance. Last evaluated: 2024-11-06. Review status: criteria provided, single submitter. Criteria: ACMG Guidelines, 2015. Collection method: clinical testing. Allele origin: germline.

Labcorp Genetics (formerly Invitae), Labcorp
Classification: Uncertain significance for Joubert syndrome 21. Last evaluated: 2024-03-11. Review status: criteria provided, single submitter. Criteria: Invitae Variant Classification Sherloc (09022015). Collection method: clinical testing. Allele origin: germline.
Comment: This sequence change replaces proline, which is neutral and non-polar, with arginine, which is basic and polar, at codon 1208 of the CSPP1 protein (p.Pro1208Arg). This variant is present in population databases (rs527426163, gnomAD 0.1%). This variant has not been reported in the literature in individuals affected with CSPP1-related conditions. ClinVar contains an entry for this variant (Variation ID: 842183). An algorithm developed to predict the effect of missense changes on protein structure and function (PolyPhen-2) suggests that this variant is likely to be disruptive. In summary, the available evidence is currently insufficient to determine the role of this variant in disease. Therefore, it has been classified as a Variant of Uncertain Significance.

NM_001382391.1(CSPP1):c.3638C>G (p.Pro1213Arg)

Genes: ARFGEF1 (ARF guanine nucleotide exchange factor 1; minus strand), CSPP1 (centrosome and spindle pole associated protein 1; plus strand). Cytogenetic location: 8q13.2.
Variant type: single nucleotide variant.
Coding change: c.3638C>G on transcript NM_001382391.1 (MANE Select); coding-DNA position 3638, C replaced by G.
Protein change: p.Pro1213Arg; replaces proline 1213 with arginine.
Molecular consequence: missense variant. On other transcripts: 3 prime UTR variant (1), intron variant (2).
Genome position (GRCh38, 1-based): chr8:67,195,550, C>G. VCF-style: chr8-67195550-C-G. GRCh37 (hg19) VCF-style: chr8-68107785-C-G.
Other names: c.2588C>G, p.Pro863Arg (NM_001291339.2); c.3557C>G, p.Pro1186Arg (NM_001363131.2); c.3443C>G, p.Pro1148Arg (NM_001363132.2); c.3362C>G, p.Pro1121Arg (NM_001363133.2); c.3704C>G, p.Pro1235Arg (NM_001364869.1); c.3524C>G, p.Pro1175Arg (NM_001364870.1); c.3470C>G, p.Pro1157Arg (NM_001438330.1); c.*130C>G (NM_001438331.1); and 4 more; short protein forms P1121R, P863R, P1148R, P1175R, P1186R, P1208R, P1235R, P1213R.
Identifiers: ClinVar variation 842183 (VCV000842183.8), dbSNP rs527426163, ClinGen allele CA4771231.